The following is an entry in ClinVar:

NM_017612.5(ZCCHC8):c.879G>T (p.Glu293Asp)

Gene: ZCCHC8 (zinc finger CCHC-type containing 8; minus strand). Cytogenetic location: 12q24.31.
Variant type: single nucleotide variant.
Coding change: c.879G>T on transcript NM_017612.5 (MANE Select); coding-DNA position 879, G replaced by T.
Protein change: p.Glu293Asp; replaces glutamic acid 293 with aspartic acid.
Molecular consequence: missense variant.
Genome position (GRCh38, 1-based): chr12:122,481,661, C>A on the plus strand (G>T on the coding strand, the complement: ZCCHC8 is on the minus strand). VCF-style: chr12-122481661-C-A. GRCh37 (hg19) VCF-style: chr12-122966208-C-A.
Other names: c.648G>T, p.Glu216Asp (NM_001350935.2); c.582G>T, p.Glu194Asp (NM_001350936.2); c.165G>T, p.Glu55Asp (NM_001350937.2, NM_001350938.2); short protein forms E194D, E293D, E55D, E216D.
Identifiers: ClinVar variation 2710343 (VCV002710343.3), dbSNP rs769184093, ClinGen allele CA6846334.
Genomic context (GRCh38, chr12:122,481,661, plus strand): 5'-CATCCGATAGATAAAAGGTGGAAGACTCTTGTCTGTCACACCTAGTGCATCTTGAAGTTC[C>A]TCACTAAGTAAAAATAAAGGAGGAAGAAAAATACTGAATTCTTATTTGCATGAAAACACA-3'
Protein context (NP_060082.2, residues 283-303): FGRFKPGVIS[Glu293Asp]ELQDALGVTD

ClinVar aggregate classification (germline): Uncertain significance (1 of 4 stars; one submission).

gnomAD v4.1: 17 of 1,610,156 alleles (0.0011%); highest among the groups gnomAD compares: South Asian, 0.013%; no homozygotes.

Submission:

Labcorp Genetics (formerly Invitae), Labcorp
Classification: Uncertain significance. Last evaluated: 2025-10-26. Review status: criteria provided, single submitter. Criteria: Invitae Variant Classification Sherloc (09022015). Collection method: clinical testing. Allele origin: germline.
Comment: This sequence change replaces glutamic acid, which is acidic and polar, with aspartic acid, which is acidic and polar, at codon 293 of the ZCCHC8 protein (p.Glu293Asp). This variant is present in population databases (rs769184093, gnomAD 0.02%). This variant has not been reported in the literature in individuals affected with ZCCHC8-related conditions. ClinVar contains an entry for this variant (Variation ID: 2710343). Invitae Evidence Modeling of protein sequence and biophysical properties (such as structural, functional, and spatial information, amino acid conservation, physicochemical variation, residue mobility, and thermodynamic stability) indicates that this missense variant is not expected to disrupt ZCCHC8 protein function with a negative predictive value of 80%. In summary, the available evidence is currently insufficient to determine the role of this variant in disease. Therefore, it has been classified as a Variant of Uncertain Significance.